The following is an entry in ClinVar:

NM_000036.3(AMPD1):c.301G>T (p.Glu101Ter)

Gene: AMPD1 (adenosine monophosphate deaminase 1; minus strand). Cytogenetic location: 1p13.2.
Variant type: single nucleotide variant.
Coding change: c.301G>T on transcript NM_000036.3 (MANE Select); coding-DNA position 301, G replaced by T.
Protein change: p.Glu101Ter; replaces glutamic acid 101 with a stop codon.
Molecular consequence: nonsense.
Genome position (GRCh38, 1-based): chr1:114,686,825, C>A on the plus strand (G>T on the coding strand, the complement: AMPD1 is on the minus strand). VCF-style: chr1-114686825-C-A. GRCh37 (hg19) VCF-style: chr1-115229446-C-A.
Other names: c.289G>T, p.Glu97Ter (NM_001172626.2); short protein forms E101*, E97*.
Identifiers: ClinVar variation 3017068 (VCV003017068.3), dbSNP rs189060095, ClinGen allele CA341753456.

ClinVar aggregate classification (germline): Uncertain significance (1 of 4 stars; one submission).

Conditions:
Muscle AMP deaminase deficiency (MMDD). Also called: Myoadenylate deaminase deficiency, myopathy due to; Adenosine monophosphate deaminase 1 deficiency; AMP deaminase 1 deficiency; Adenosine Monophosphate Deaminase 1; AMPD1 DEFICIENCY; ADENOSINE MONOPHOSPHATE DEAMINASE-1 DEFICIENCY, MYOPATHY DUE TO. Identifiers: Orphanet 45, MedGen C3714933, MONDO:0014220, OMIM 615511.

gnomAD v4.1: 1 of 1,614,102 alleles (0.000062%); highest among the groups gnomAD compares: East Asian, 0.0022%; no homozygotes.

Submission:

Labcorp Genetics (formerly Invitae), Labcorp
Classification: Uncertain significance for Muscle AMP deaminase deficiency. Last evaluated: 2024-01-11. Review status: criteria provided, single submitter. Criteria: Invitae Variant Classification Sherloc (09022015). Collection method: clinical testing. Allele origin: germline.
Comment: This sequence change creates a premature translational stop signal (p.Glu134*) in the AMPD1 gene. It is expected to result in an absent or disrupted protein product. However, the current clinical and genetic evidence is not sufficient to establish whether loss-of-function variants in AMPD1 cause disease. This variant is present in population databases (no rsID available, gnomAD 0.006%). This variant has not been reported in the literature in individuals affected with AMPD1-related conditions. Algorithms developed to predict the effect of sequence changes on RNA splicing suggest that this variant may disrupt the consensus splice site. In summary, the available evidence is currently insufficient to determine the role of this variant in disease. Therefore, it has been classified as a Variant of Uncertain Significance.